The following is an entry in ClinVar:

ClinVar aggregate classification (germline): Uncertain significance. Review status: criteria provided, multiple submitters, no conflicts (2 of 4 stars). 7 submissions from 7 submitters: Uncertain significance (7). Last evaluated 2026-04-08.

Conditions:
IGHMBP2-related disorder. Also called: IGHMBP2-related disorders; IGHMBP2-related condition.
Inborn genetic diseases. Identifiers: MedGen C0950123, MeSH D030342.
Autosomal recessive distal spinal muscular atrophy 1. Also called: NEURONOPATHY, SEVERE INFANTILE AXONAL, WITH RESPIRATORY FAILURE; SEVERE INFANTILE AXONAL NEUROPATHY WITH RESPIRATORY FAILURE; SPINAL MUSCULAR ATROPHY, DIAPHRAGMATIC; Spinal muscular atrophy with respiratory distress 1; NEURONOPATHY, DISTAL HEREDITARY MOTOR, HARDING TYPE VI; NEUROPATHY, DISTAL HEREDITARY MOTOR, AUTOSOMAL RECESSIVE 1. Identifiers: Orphanet 98920, MedGen C1858517, MONDO:0011436, OMIM 604320.
Charcot-Marie-Tooth disease axonal type 2S. Also called: CHARCOT-MARIE-TOOTH DISEASE, AXONAL, AUTOSOMAL RECESSIVE, TYPE 2S; CHARCOT-MARIE-TOOTH NEUROPATHY, TYPE 2S. Identifiers: Orphanet 443073, MedGen C4015349, MONDO:0014511, OMIM 616155.
Charcot-Marie-Tooth disease. Also called: Charcot-Marie-Tooth Hereditary Neuropathy; Charcot-Marie-Tooth Neuropathy. Identifiers: Orphanet 166, MedGen C0007959, MONDO:0015626.

Allele frequency attached by ClinVar (database versions not stated): gnomAD 0.00005 and 0.00006; gnomAD exomes 0.00006; TOPMed 0.00009; ExAC 0.00010; ESP Exome Variant Server 0.00038.

Submissions (7):

PreventionGenetics, part of Exact Sciences
Classification: Uncertain significance for IGHMBP2-related condition. Last evaluated: 2026-04-08. Review status: criteria provided, single submitter. Criteria: ACMG Guidelines, 2015. Collection method: clinical testing. Allele origin: germline.
Comment: The IGHMBP2 c.440G>A variant is predicted to result in the amino acid substitution p.Arg147Gln. This variant was reported as a variant of uncertain significance in an individual from a large cohort study of Charcot-Marie-Tooth disease; however, additional evidence was not provided (Table S2, Volodarsky et al. 2021. PubMed ID: 32376792). This variant is reported in 0.016% of alleles in individuals of South Asian descent in gnomAD. At this time, the clinical significance of this variant is uncertain due to the absence of conclusive functional and genetic evidence.

Women's Health and Genetics/Laboratory Corporation of America, LabCorp
Classification: Uncertain significance. Last evaluated: 2025-09-02. Review status: criteria provided, single submitter. Criteria: LabCorp Variant Classification Summary - May 2015. Collection method: clinical testing. Allele origin: germline.
Comment: Variant summary: IGHMBP2 c.440G>A (p.Arg147Gln) results in a conservative amino acid change in the encoded protein sequence. Algorithms developed to predict the effect of missense changes on protein structure and function are either unavailable or do not agree on the potential impact of this missense change. The variant allele was found at a frequency of 5.6e-05 in 251438 control chromosomes. This frequency is not significantly higher than estimated for disease-causing variants in IGHMBP2, allowing no conclusion about variant significance. c.440G>A has been observed in at least one individual affected with Charcot-Marie-Tooth disease (Volodarsky_2021). This report does not provide unequivocal conclusions about association of the variant with Charcot-Marie-Tooth disease axonal type 2S. To our knowledge, no experimental evidence demonstrating an impact on protein function has been reported. The following publication has been ascertained in the context of this evaluation (PMID: 32376792). ClinVar contains an entry for this variant (Variation ID: 664193). Based on the evidence outlined above, the variant was classified as uncertain significance.

CeGaT Center for Human Genetics Tuebingen
Classification: Uncertain significance. Last evaluated: 2024-02-01. Review status: criteria provided, single submitter. Criteria: CeGaT Center For Human Genetics Tuebingen Variant Classification Criteria Version 2. Collection method: clinical testing. Allele origin: germline. Affected: yes. Observed: 1 variant allele.
Comment: IGHMBP2: PM2

Labcorp Genetics (formerly Invitae), Labcorp
Classification: Uncertain significance for Autosomal recessive distal spinal muscular atrophy 1; Charcot-Marie-Tooth disease axonal type 2S. Last evaluated: 2022-10-17. Review status: criteria provided, single submitter. Criteria: Invitae Variant Classification Sherloc (09022015). Collection method: clinical testing. Allele origin: germline.
Comment: This sequence change replaces arginine, which is basic and polar, with glutamine, which is neutral and polar, at codon 147 of the IGHMBP2 protein (p.Arg147Gln). This variant is present in population databases (rs138448914, gnomAD 0.02%). This missense change has been observed in individual(s) with clinical features of IGHMBP2-related conditions (PMID: 32376792). ClinVar contains an entry for this variant (Variation ID: 664193). Advanced modeling of protein sequence and biophysical properties (such as structural, functional, and spatial information, amino acid conservation, physicochemical variation, residue mobility, and thermodynamic stability) performed at Invitae indicates that this missense variant is expected to disrupt IGHMBP2 protein function. In summary, the available evidence is currently insufficient to determine the role of this variant in disease. Therefore, it has been classified as a Variant of Uncertain Significance.

Ambry Genetics
Classification: Uncertain significance for Inborn genetic diseases. Last evaluated: 2022-08-24. Review status: criteria provided, single submitter. Criteria: Ambry Variant Classification Scheme 2023. Collection method: clinical testing. Allele origin: germline.
Comment: The p.R147Q variant (also known as c.440G>A), located in coding exon 3 of the IGHMBP2 gene, results from a G to A substitution at nucleotide position 440. The arginine at codon 147 is replaced by glutamine, an amino acid with highly similar properties. This variant was detected in a Charcot-Marie-Tooth disease cohort; however, clinical details were limited (Volodarsky M et al. J Med Genet, 2021 04;58:284-288). This amino acid position is highly conserved in available vertebrate species. In addition, this alteration is predicted to be deleterious by in silico analysis. Since supporting evidence is limited at this time, the clinical significance of this alteration remains unclear.

GeneDx
Classification: Uncertain significance. Last evaluated: 2019-10-21. Review status: criteria provided, single submitter. Criteria: GeneDx Variant Classification Process June 2021. Collection method: clinical testing. Allele origin: germline. Affected: yes.
Comment: Not observed at a significant frequency in large population cohorts (Lek et al., 2016); In silico analysis, which includes protein predictors and evolutionary conservation, supports a deleterious effect; Has not been previously published as pathogenic or benign to our knowledge; This variant is associated with the following publications: (PMID: 32376792)

Molecular Genetics Laboratory, London Health Sciences Centre
Classification: Uncertain significance for Charcot-Marie-Tooth disease. Review status: criteria provided, single submitter. Criteria: ACMG Guidelines, 2015. Collection method: clinical testing. Allele origin: germline. Affected: yes.

Literature cited by the submitters: PubMed 32376792 (cited by 3 submitters).

NM_002180.3(IGHMBP2):c.440G>A (p.Arg147Gln)

Gene: IGHMBP2 (immunoglobulin mu DNA binding protein 2; plus strand). Cytogenetic location: 11q13.3.
Variant type: single nucleotide variant.
Coding change: c.440G>A on transcript NM_002180.3 (MANE Select); coding-DNA position 440, G replaced by A.
Protein change: p.Arg147Gln; replaces arginine 147 with glutamine.
Molecular consequence: missense variant.
Genome position (GRCh38, 1-based): chr11:68,908,328, G>A. VCF-style: chr11-68908328-G-A. GRCh37 (hg19) VCF-style: chr11-68675796-G-A.
Other names: short protein forms R147Q.
Identifiers: ClinVar variation 664193 (VCV000664193.35), dbSNP rs138448914, ClinGen allele CA6153285.